The following is an entry in ClinVar:

ClinVar aggregate classification (germline): Uncertain significance (1 of 4 stars; one submission).

gnomAD v4.1: 3 of 1,173,249 alleles (0.00026%); highest among the groups gnomAD compares: Non-Finnish European, 0.00034%; no homozygotes.

Submission:

Labcorp Genetics (formerly Invitae), Labcorp
Classification: Uncertain significance. Last evaluated: 2024-06-11. Review status: criteria provided, single submitter. Criteria: Invitae Variant Classification Sherloc (09022015). Collection method: clinical testing. Allele origin: germline.
Comment: This sequence change replaces arginine, which is basic and polar, with glutamine, which is neutral and polar, at codon 437 of the CACNA1F protein (p.Arg437Gln). This variant is not present in population databases (gnomAD no frequency). This variant has not been reported in the literature in individuals affected with CACNA1F-related conditions. An algorithm developed to predict the effect of missense changes on protein structure and function (PolyPhen-2) suggests that this variant is likely to be tolerated. In summary, the available evidence is currently insufficient to determine the role of this variant in disease. Therefore, it has been classified as a Variant of Uncertain Significance.

NM_001256789.3(CACNA1F):c.1277G>A (p.Gly426Glu)

Gene: CACNA1F (calcium voltage-gated channel subunit alpha1 F; minus strand). Cytogenetic location: Xp11.23.
Variant type: single nucleotide variant.
Coding change: c.1277G>A on transcript NM_001256789.3 (MANE Select); coding-DNA position 1277, G replaced by A.
Protein change: p.Gly426Glu; replaces glycine 426 with glutamic acid.
Molecular consequence: missense variant.
Genome position (GRCh38, 1-based): chrX:49,226,702, C>T on the plus strand (G>A on the coding strand, the complement: CACNA1F is on the minus strand). VCF-style: chrX-49226702-C-T. GRCh37 (hg19) VCF-style: chrX-49083164-C-T.
Other names: c.1115G>A, p.Arg372Gln (NM_001256790.3); c.1310G>A, p.Arg437Gln (NM_005183.4); short protein forms G426E, R372Q, R437Q.
Identifiers: ClinVar variation 3608871 (VCV003608871.2).